The following is an entry in ClinVar:

NM_000535.7(PMS2):c.336C>T (p.Ser112=)

Gene: PMS2 (PMS1 homolog 2, mismatch repair system component; minus strand). Cytogenetic location: 7p22.1.
Variant type: single nucleotide variant.
Coding change: c.336C>T on transcript NM_000535.7 (MANE Select); coding-DNA position 336, C replaced by T.
Protein change: p.Ser112=; no amino-acid change (serine 112 retained).
Molecular consequence: synonymous variant. On other transcripts: 5 prime UTR variant (9), non-coding transcript variant (1), intron variant (2).
Genome position (GRCh38, 1-based): chr7:6,003,707, G>A on the plus strand (C>T on the coding strand, the complement: PMS2 is on the minus strand). VCF-style: chr7-6003707-G-A. GRCh37 (hg19) VCF-style: chr7-6043338-G-A.
Other names: c.-70C>T (NM_001322003.2, NM_001322004.2, NM_001322005.2 and 3 more transcripts); c.336C>T, p.Ser112= (NM_001322006.2, NM_001322014.2); c.-549C>T (NM_001322011.2, NM_001322012.2); c.-149C>T (NM_001322015.2); c.35+265C>T (NM_001322008.2, NM_001322007.2).
Identifiers: ClinVar variation 750582 (VCV000750582.15), dbSNP rs1583408255, ClinGen allele CA453647889.

ClinVar aggregate classification (germline): Benign/Likely benign. Review status: criteria provided, multiple submitters, no conflicts (2 of 4 stars). 5 submissions from 5 submitters: Benign (1); Likely benign (4). Last evaluated 2025-01-24.

Conditions:
Hereditary nonpolyposis colorectal neoplasms. Identifiers: MedGen C0009405, MeSH D003123.
Hereditary cancer-predisposing syndrome. Also called: Tumor predisposition; Hereditary neoplastic syndrome; Neoplastic Syndromes, Hereditary; Hereditary Cancer Syndrome. Identifiers: Orphanet 140162, MedGen C0027672, MeSH D009386, MONDO:0015356.
Lynch syndrome. Identifiers: Orphanet 144, MedGen C4552100, MONDO:0005835. Disease mechanism: loss of function.
Lynch syndrome 4 (LYNCH4). Also called: Hereditary non-polyposis colorectal cancer, type 4; Colorectal cancer, hereditary nonpolyposis, type 4. Identifiers: Orphanet 144, MedGen C1838333, MONDO:0013699, OMIM 614337. Disease mechanism: loss of function.

Submissions (5):

Myriad Genetics, Inc.
Classification: Benign for Lynch syndrome 4. Last evaluated: 2025-01-24. Review status: criteria provided, single submitter. Criteria: Myriad Autosomal Dominant, Autosomal Recessive and X-Linked Classification Criteria (2023). Collection method: clinical testing. Allele origin: unknown.
Comment: This variant is considered benign. This variant is a silent/synonymous amino acid change and it is not expected to impact splicing.

Labcorp Genetics (formerly Invitae), Labcorp
Classification: Likely benign for Hereditary nonpolyposis colorectal neoplasms. Last evaluated: 2024-09-03. Review status: criteria provided, single submitter. Criteria: Invitae Variant Classification Sherloc (09022015). Collection method: clinical testing. Allele origin: germline.

All of Us Research Program, National Institutes of Health
Classification: Likely benign for Lynch syndrome. Last evaluated: 2024-04-16. Review status: criteria provided, single submitter. Criteria: ACMG Guidelines, 2015. Collection method: clinical testing. Allele origin: germline. Inheritance: Autosomal dominant inheritance. Observed: 1 variant allele, 1 heterozygote.
Comment: This study involves interpretation of variants in research participants for the purpose of population health screening. Participant phenotype was not available at the time of variant classification. Additional details can be found in publication PMID: 35346344, PMCID: PMC8962531

Ambry Genetics
Classification: Likely benign for Hereditary cancer-predisposing syndrome. Last evaluated: 2023-03-18. Review status: criteria provided, single submitter. Criteria: Ambry Variant Classification Scheme 2023. Collection method: clinical testing. Allele origin: germline.

Color Diagnostics, LLC DBA Color Health
Classification: Likely benign for Hereditary cancer-predisposing syndrome. Last evaluated: 2022-06-06. Review status: criteria provided, single submitter. Criteria: ACMG Guidelines, 2015. Collection method: clinical testing. Allele origin: germline.